The following is an entry in ClinVar:

NM_021930.6(RINT1):c.642A>T (p.Arg214Ser)

Gene: RINT1 (RAD50 interactor 1; plus strand). Cytogenetic location: 7q22.3.
Variant type: single nucleotide variant.
Coding change: c.642A>T on transcript NM_021930.6 (MANE Select); coding-DNA position 642, A replaced by T.
Protein change: p.Arg214Ser; replaces arginine 214 with serine.
Molecular consequence: missense variant. On other transcripts: 5 prime UTR variant (2), non-coding transcript variant (1), intron variant (1).
Genome position (GRCh38, 1-based): chr7:105,547,036, A>T. VCF-style: chr7-105547036-A-T. GRCh37 (hg19) VCF-style: chr7-105187483-A-T.
Other names: c.408A>T, p.Arg136Ser (NM_001346599.2); c.-378A>T (NM_001346600.2); c.-281A>T (NM_001346601.2); c.-27-3019A>T (NM_001346603.2); short protein forms R136S, R214S.
Identifiers: ClinVar variation 4844114 (VCV004844114.1).

ClinVar aggregate classification (germline): Uncertain significance (1 of 4 stars; one submission).

gnomAD v4.1: 1 of 1,613,954 alleles (0.000062%); highest among the groups gnomAD compares: Middle Eastern, 0.016%; no homozygotes.

Submission:

Ambry Genetics
Classification: Uncertain significance. Last evaluated: 2025-12-15. Review status: criteria provided, single submitter. Criteria: Ambry Variant Classification Scheme 2023. Collection method: clinical testing. Allele origin: germline.
Comment: The p.R214S variant (also known as c.642A>T), located in coding exon 5 of the RINT1 gene, results from an A to T substitution at nucleotide position 642. The arginine at codon 214 is replaced by serine, an amino acid with dissimilar properties. This amino acid position is conserved. In addition, this alteration is predicted to be tolerated by in silico analysis. Based on the available evidence, the clinical significance of this variant remains unclear.